The following is an entry in ClinVar:

ClinVar aggregate classification (germline): Likely pathogenic (1 of 4 stars; one submission).

Conditions:
Arginase deficiency. Also called: ARGININEMIA; ARG1 DEFICIENCY; Arginase 1 Deficiency. Identifiers: Orphanet 90, MedGen C0268548, MONDO:0008814, OMIM 207800.

Allele frequency attached by ClinVar (database versions not stated): gnomAD exomes 0.00001 and below 0.00001.
gnomAD v4.1: 2 of 1,614,078 alleles (0.00012%); highest among the groups gnomAD compares: Admixed American, 0.0033%; no homozygotes.

Submission:

Labcorp Genetics (formerly Invitae), Labcorp
Classification: Likely pathogenic for Arginase deficiency. Last evaluated: 2021-04-01. Review status: criteria provided, single submitter. Criteria: Invitae Variant Classification Sherloc (09022015). Collection method: clinical testing. Allele origin: germline.
Comment: In summary, the currently available evidence indicates that the variant is pathogenic, but additional data are needed to prove that conclusively. Therefore, this variant has been classified as Likely Pathogenic. Algorithms developed to predict the effect of missense changes on protein structure and function (SIFT, PolyPhen-2, Align-GVGD) all suggest that this variant is likely to be disruptive, but these predictions have not been confirmed by published functional studies and their clinical significance is uncertain. This sequence change replaces valine with alanine at codon 84 of the ARG1 protein (p.Val84Ala). The valine residue is highly conserved and there is a small physicochemical difference between valine and alanine. This variant is not present in population databases (ExAC no frequency). This variant has been observed in individual(s) with arginase deficiency (Invitae). In at least one individual the data is consistent with the variant being in trans (on the opposite chromosome) from a pathogenic variant.

NM_000045.4(ARG1):c.251T>C (p.Val84Ala)

Genes: ARG1 (arginase 1; plus strand), MED23 (mediator complex subunit 23; minus strand). Cytogenetic location: 6q23.2.
Variant type: single nucleotide variant.
Coding change: c.251T>C on transcript NM_000045.4 (MANE Select); coding-DNA position 251, T replaced by C.
Protein change: p.Val84Ala; replaces valine 84 with alanine.
Molecular consequence: missense variant. On other transcripts: non-coding transcript variant (1), intron variant (2).
Genome position (GRCh38, 1-based): chr6:131,579,231, T>C. VCF-style: chr6-131579231-T-C. GRCh37 (hg19) VCF-style: chr6-131900371-T-C.
Other names: c.275T>C, p.Val92Ala (NM_001244438.2); c.251T>C, p.Val84Ala (NM_001369020.1); c.4078-4936A>G (NM_001270521.2); c.4096-4936A>G (NM_015979.4); short protein forms V92A, V84A.
Identifiers: ClinVar variation 1523279 (VCV001523279.8), dbSNP rs1311659158, ClinGen allele CA365650665.